The following is an entry in ClinVar:

NM_000553.6(WRN):c.1725T>C (p.Tyr575=)

Gene: WRN (WRN RecQ like helicase; plus strand). Cytogenetic location: 8p12.
Variant type: single nucleotide variant.
Coding change: c.1725T>C on transcript NM_000553.6 (MANE Select); coding-DNA position 1725, T replaced by C.
Protein change: p.Tyr575=; no amino-acid change (tyrosine 575 retained).
Molecular consequence: synonymous variant.
Genome position (GRCh38, 1-based): chr8:31,090,838, T>C. VCF-style: chr8-31090838-T-C. GRCh37 (hg19) VCF-style: chr8-30948354-T-C.
Other names: p.Tyr575=.
Identifiers: ClinVar variation 238129 (VCV000238129.25), dbSNP rs13438802, ClinGen allele CA4704475.
Genomic context (GRCh38, chr8:31,090,838, plus strand): 5'-TTTATTTTTATTTCTATATTTTTTTCATTTTATTTTTATATTTTTTTCATTTCAAGGATA[T>C]GGAAAGAGTTTGTGCTTCCAGTATCCACCTGTTTATGTAGGCAAGATTGGCCTTGTTATC-3'
Protein context (NP_000544.2, residues 565-585): RDNVAVMATG[Tyr575=]GKSLCFQYPP

ClinVar aggregate classification (germline): Benign/Likely benign. Review status: criteria provided, multiple submitters, no conflicts (2 of 4 stars). 10 submissions from 9 submitters: Benign (4); Likely benign (6). Last evaluated 2026-02-01.

Conditions:
Wiskott-Aldrich syndrome (WAS). Also called: ALDRICH SYNDROME; IMMUNODEFICIENCY 2; WISKOTT-ALDRICH SYNDROME 1; Wiskott-aldrich syndrome, somatic. Identifiers: Orphanet 906, MedGen C0043194, MONDO:0010518, OMIM 301000.
Werner syndrome (WRN). Identifiers: Orphanet 902, MedGen C0043119, MONDO:0010196, OMIM 277700.

Allele frequency attached by ClinVar (database versions not stated): gnomAD exomes 0.00044 and 0.00115; ExAC 0.00151; gnomAD 0.00482 and 0.00516; 1000 Genomes Project 0.00519; 1000 Genomes Project 30x 0.00547; TOPMed 0.00552; ESP Exome Variant Server 0.00569.
gnomAD v4.1: 1,372 of 1,606,684 alleles (0.085%); highest among the groups gnomAD compares: African/African-American, 1.7%; 9 homozygotes.

Submissions (10):

Labcorp Genetics (formerly Invitae), Labcorp
Classification: Benign for Werner syndrome. Last evaluated: 2026-02-01. Review status: criteria provided, single submitter. Criteria: Invitae Variant Classification Sherloc (09022015). Collection method: clinical testing. Allele origin: germline.

KCCC/NGS Laboratory, Kuwait Cancer Control Center
Classification: Benign for Werner syndrome. Last evaluated: 2025-02-01. Review status: criteria provided, single submitter. Criteria: ACMG Guidelines, 2015. Collection method: clinical testing. Allele origin: germline. Affected: no.

Mayo Clinic Laboratories, Mayo Clinic
Classification: Likely benign. Last evaluated: 2024-12-26. Review status: criteria provided, single submitter. Criteria: ACMG Guidelines, 2015. Collection method: clinical testing. Allele origin: germline. Observed: 2 variant alleles.
Comment: BS1, BP4, BP7

Blueprint Genetics
Classification: Likely benign. Last evaluated: 2024-08-28. Review status: criteria provided, single submitter. Criteria: ACMG Guidelines, 2015. Collection method: clinical testing. Allele origin: germline.

KCCC/NGS Laboratory, Kuwait Cancer Control Center
Classification: Benign for Wiskott-Aldrich syndrome. Last evaluated: 2023-07-07. Review status: criteria provided, single submitter. Criteria: ACMG Guidelines, 2015. Collection method: clinical testing. Allele origin: germline. Affected: yes.

Genome-Nilou Lab
Classification: Benign for Werner syndrome. Last evaluated: 2021-12-05. Review status: criteria provided, single submitter. Criteria: ACMG Guidelines, 2015. Collection method: clinical testing. Allele origin: germline. Affected: no.

Genetic Services Laboratory, University of Chicago
Classification: Likely benign. Last evaluated: 2021-11-19. Review status: criteria provided, single submitter. Criteria: ACMG Guidelines, 2015. Collection method: clinical testing. Allele origin: germline. Affected: no.

GeneDx
Classification: Likely benign. Last evaluated: 2021-04-20. Review status: criteria provided, single submitter. Criteria: GeneDx Variant Classification Process June 2021. Collection method: clinical testing. Allele origin: germline. Affected: yes.

Illumina Laboratory Services, Illumina
Classification: Likely benign for Werner syndrome. Last evaluated: 2018-01-12. Review status: criteria provided, single submitter. Criteria: ICSL Variant Classification Criteria 13 December 2019. Collection method: clinical testing. Allele origin: germline.
Comment: This variant was observed in the ICSL laboratory as part of a predisposition screen in an ostensibly healthy population. It had not been previously curated by ICSL or reported in the Human Gene Mutation Database (HGMD: prior to June 1st, 2018), and was therefore a candidate for classification through an automated scoring system. Utilizing variant allele frequency, disease prevalence and penetrance estimates, and inheritance mode, an automated score was calculated to assess if this variant is too frequent to cause the disease. Based on the score and internal cut-off values, a variant classified as likely benign is not then subjected to further curation. The score for this variant resulted in a classification of likely benign for this disease.

Breakthrough Genomics
Classification: Likely benign. Review status: criteria provided, single submitter. Criteria: ACMG Guidelines, 2015. Collection method: not provided. Allele origin: germline. Inheritance: Autosomal recessive inheritance. Affected: yes.